The following is an entry in ClinVar:

ClinVar aggregate classification (germline): Uncertain significance (1 of 4 stars; one submission).

Conditions:
Emery-Dreifuss muscular dystrophy 5, autosomal dominant (EDMD5). Also called: EMERY-DREIFUSS MUSCULAR DYSTROPHY 5. Identifiers: Orphanet 261, MedGen C2751805, MONDO:0013072, OMIM 612999.

Allele frequency attached by ClinVar (database versions not stated): ExAC 0.00003; gnomAD exomes 0.00004; TOPMed 0.00006; gnomAD 0.00011.
gnomAD v4.1: 52 of 1,612,746 alleles (0.0032%); highest among the groups gnomAD compares: African/African-American, 0.016%; no homozygotes.

Submission:

Labcorp Genetics (formerly Invitae), Labcorp
Classification: Uncertain significance for Emery-Dreifuss muscular dystrophy 5, autosomal dominant. Last evaluated: 2025-04-30. Review status: criteria provided, single submitter. Criteria: Invitae Variant Classification Sherloc (09022015). Collection method: clinical testing. Allele origin: germline.
Comment: This sequence change falls in intron 105 of the SYNE2 gene. It does not directly change the encoded amino acid sequence of the SYNE2 protein. It affects a nucleotide within the consensus splice site. This variant is present in population databases (rs774990082, gnomAD 0.03%). This variant has not been reported in the literature in individuals affected with SYNE2-related conditions. ClinVar contains an entry for this variant (Variation ID: 1060887). Variants that disrupt the consensus splice site are a relatively common cause of aberrant splicing (PMID: 17576681, 9536098). Algorithms developed to predict the effect of sequence changes on RNA splicing suggest that this variant may disrupt the consensus splice site. In summary, the available evidence is currently insufficient to determine the role of this variant in disease. Therefore, it has been classified as a Variant of Uncertain Significance.

Literature cited by the submitters: PubMed 17576681; PubMed 9536098.

NM_182914.3(SYNE2):c.19056+5G>A

Gene: SYNE2 (spectrin repeat containing nuclear envelope protein 2; plus strand). Cytogenetic location: 14q23.2.
Variant type: single nucleotide variant.
Coding change: c.19056+5G>A on transcript NM_182914.3 (MANE Select); 5 bases into the intron after coding-DNA position 19056, G replaced by A.
Molecular consequence: intron variant.
Genome position (GRCh38, 1-based): chr14:64,213,010, G>A. VCF-style: chr14-64213010-G-A. GRCh37 (hg19) VCF-style: chr14-64679728-G-A.
Other names: c.19056+5G>A (NM_015180.6).
Identifiers: ClinVar variation 1060887 (VCV001060887.7), dbSNP rs774990082, ClinGen allele CA7224298.